The following is an entry in ClinVar:

NM_017570.5(OPLAH):c.2973C>G (p.Asp991Glu)

Gene: OPLAH (5-oxoprolinase, ATP-hydrolysing; minus strand). Cytogenetic location: 8q24.3.
Variant type: single nucleotide variant.
Coding change: c.2973C>G on transcript NM_017570.5 (MANE Select); coding-DNA position 2973, C replaced by G.
Protein change: p.Asp991Glu; replaces aspartic acid 991 with glutamic acid.
Molecular consequence: missense variant.
Genome position (GRCh38, 1-based): chr8:144,053,028, G>C on the plus strand (C>G on the coding strand, the complement: OPLAH is on the minus strand). VCF-style: chr8-144053028-G-C. GRCh37 (hg19) VCF-style: chr8-145107931-G-C.
Other names: short protein forms D991E.
Identifiers: ClinVar variation 844739 (VCV000844739.5), dbSNP rs782051228, ClinGen allele CA372537079.

ClinVar aggregate classification (germline): Uncertain significance (1 of 4 stars; one submission).

Conditions:
5-Oxoprolinase deficiency (OPLAHD). Also called: 5-OXOPROLINURIA DUE TO 5-OXOPROLINASE DEFICIENCY. Identifiers: Orphanet 33572, MedGen C0268525, MONDO:0009825, OMIM 260005, HP:0040142.

Allele frequency attached by ClinVar (database versions not stated): gnomAD 0.00001; TOPMed 0.00001.
gnomAD v4.1: 3 of 1,602,928 alleles (0.00019%); highest among the groups gnomAD compares: African/African-American, 0.004%; no homozygotes.

Submission:

Labcorp Genetics (formerly Invitae), Labcorp
Classification: Uncertain significance for 5-Oxoprolinase deficiency. Last evaluated: 2019-12-02. Review status: criteria provided, single submitter. Criteria: Invitae Variant Classification Sherloc (09022015). Collection method: clinical testing. Allele origin: germline.
Comment: This variant has not been reported in the literature in individuals with OPLAH-related conditions. In at least one individual the data is consistent with the variant being in trans (on the opposite chromosome) from a pathogenic variant. In summary, the available evidence is currently insufficient to determine the role of this variant in disease. Therefore, it has been classified as a Variant of Uncertain Significance. Algorithms developed to predict the effect of missense changes on protein structure and function are either unavailable or do not agree on the potential impact of this missense change (SIFT: "Not Available"; PolyPhen-2: "Probably Damaging"; Align-GVGD: "Not Available"). This variant is not present in population databases (ExAC no frequency). This sequence change replaces aspartic acid with glutamic acid at codon 991 of the OPLAH protein (p.Asp991Glu). The aspartic acid residue is highly conserved and there is a small physicochemical difference between aspartic acid and glutamic acid.